The following is an entry in ClinVar:

ClinVar aggregate classification (germline): Uncertain significance (1 of 4 stars; one submission).

Conditions:
Tuberous sclerosis 2 (TSC2). Identifiers: Orphanet 805, MedGen C1860707, MONDO:0013199, OMIM 613254.

Allele frequency attached by ClinVar (database versions not stated): gnomAD exomes below 0.00001.
gnomAD v4.1: 1 of 1,613,976 alleles (0.000062%); no homozygotes.

Submission:

Labcorp Genetics (formerly Invitae), Labcorp
Classification: Uncertain significance for Tuberous sclerosis 2. Last evaluated: 2023-04-03. Review status: criteria provided, single submitter. Criteria: Invitae Variant Classification Sherloc (09022015). Collection method: clinical testing. Allele origin: germline.
Comment: This variant has not been reported in the literature in individuals affected with TSC2-related conditions. Advanced modeling of protein sequence and biophysical properties (such as structural, functional, and spatial information, amino acid conservation, physicochemical variation, residue mobility, and thermodynamic stability) performed at Invitae indicates that this missense variant is not expected to disrupt TSC2 protein function. In summary, the available evidence is currently insufficient to determine the role of this variant in disease. Therefore, it has been classified as a Variant of Uncertain Significance. This sequence change replaces leucine, which is neutral and non-polar, with valine, which is neutral and non-polar, at codon 18 of the TSC2 protein (p.Leu18Val). This variant is not present in population databases (gnomAD no frequency).

NM_000548.5(TSC2):c.52C>G (p.Leu18Val)

Gene: TSC2 (TSC complex subunit 2; plus strand). Cytogenetic location: 16p13.3.
Variant type: single nucleotide variant.
Coding change: c.52C>G on transcript NM_000548.5 (MANE Select); coding-DNA position 52, C replaced by G.
Protein change: p.Leu18Val; replaces leucine 18 with valine.
Molecular consequence: missense variant. On other transcripts: 5 prime UTR variant (19), non-coding transcript variant (5), intron variant (6).
Genome position (GRCh38, 1-based): chr16:2,048,667, C>G. VCF-style: chr16-2048667-C-G. GRCh37 (hg19) VCF-style: chr16-2098668-C-G.
Other names: c.52C>G, p.Leu18Val (NM_001077183.3, NM_001114382.3, NM_001318827.2 and 13 more transcripts); c.-175C>G (NM_001318831.2, NM_001406682.1, NM_001406684.1 and 2 more transcripts); c.85C>G, p.Leu29Val (NM_001318832.2); c.-1380C>G (NM_001406691.1, NM_001406692.1, NM_001406697.1 and 2 more transcripts); c.-1686C>G (NM_001406693.1); c.-1261C>G (NM_001406694.1, NM_001406695.1); c.-1368C>G (NM_001406696.1); c.-1556C>G (NM_001406698.1); and 4 more; short protein forms L18V, L29V.
Identifiers: ClinVar variation 2851598 (VCV002851598.3), dbSNP rs1596234078, ClinGen allele CA394301054.
Genomic context (GRCh38, chr16:2,048,667, plus strand): 5'-TGGTCCACCATGGCCAAACCAACAAGCAAAGATTCAGGCTTGAAGGAGAAGTTTAAGATT[C>G]TGTTGGGACTGGGAACACCGAGGCCAAATCCCAGGTCTGCAGAGGGTAAACAGACGGAGT-3'
Protein context (NP_000539.2, residues 8-28): DSGLKEKFKI[Leu18Val]LGLGTPRPNP